The following is an entry in ClinVar:

ClinVar aggregate classification (germline): Conflicting classifications of pathogenicity. Review status: criteria provided, conflicting classifications (1 of 4 stars). 3 submissions from 3 submitters: Uncertain significance (2); Likely benign (1). Last evaluated 2024-12-07.

Conditions:
FG syndrome (FGS). Identifiers: MedGen C0220769, MONDO:0002010.
Familial thoracic aortic aneurysm and aortic dissection (TAAD). Also called: Thoracic aortic aneurysms and dissections. Identifiers: Orphanet 91387, MedGen C4707243, MONDO:0019625.

Allele frequency attached by ClinVar (database versions not stated): gnomAD exomes 0.00001; TOPMed 0.00002; ExAC 0.00001; gnomAD 0.00001.
gnomAD v4.1: 21 of 1,207,693 alleles (0.0017%); highest among the groups gnomAD compares: Non-Finnish European, 0.0023%; no homozygotes.

Submissions (3):

Labcorp Genetics (formerly Invitae), Labcorp
Classification: Likely benign for FG syndrome. Last evaluated: 2024-12-07. Review status: criteria provided, single submitter. Criteria: Invitae Variant Classification Sherloc (09022015). Collection method: clinical testing. Allele origin: germline.

GeneDx
Classification: Uncertain significance. Last evaluated: 2024-08-30. Review status: criteria provided, single submitter. Criteria: GeneDx Variant Classification Process June 2021. Collection method: clinical testing. Allele origin: germline.
Comment: Not observed at significant frequency in large population cohorts (gnomAD); In silico analysis supports that this missense variant does not alter protein structure/function; Has not been previously published as pathogenic or benign to our knowledge

Ambry Genetics
Classification: Uncertain significance for Familial thoracic aortic aneurysm and aortic dissection. Last evaluated: 2021-03-03. Review status: criteria provided, single submitter. Criteria: Ambry Variant Classification Scheme 2023. Collection method: clinical testing. Allele origin: germline.
Comment: The c.2450G>A (p.R817H) alteration is located in exon 18 (coding exon 18) of the MED12 gene. This alteration results from a G to A substitution at nucleotide position 2450, causing the arginine (R) at amino acid position 817 to be replaced by a histidine (H). The p.R817H alteration is predicted to be tolerated by in silico analysis. Based on insufficient or conflicting evidence, the clinical significance of this alteration remains unclear.

NM_005120.3(MED12):c.2450G>A (p.Arg817His)

Gene: MED12 (mediator complex subunit 12; plus strand). Cytogenetic location: Xq13.1.
Variant type: single nucleotide variant.
Coding change: c.2450G>A on transcript NM_005120.3 (MANE Select); coding-DNA position 2450, G replaced by A.
Protein change: p.Arg817His; replaces arginine 817 with histidine.
Molecular consequence: missense variant.
Genome position (GRCh38, 1-based): chrX:71,126,063, G>A. VCF-style: chrX-71126063-G-A. GRCh37 (hg19) VCF-style: chrX-70345913-G-A.
Other names: short protein forms R817H.
Identifiers: ClinVar variation 639131 (VCV000639131.10), dbSNP rs749801457, ClinGen allele CA10444366.